The following is an entry in ClinVar:

ClinVar aggregate classification (germline): Uncertain significance (1 of 4 stars; one submission).

Conditions:
Aortic aneurysm, familial thoracic 4 (AAT4). Also called: AORTIC ANEURYSM/AORTIC DISSECTION AND PATENT DUCTUS ARTERIOSUS. Identifiers: MedGen C1851504, MONDO:0007568, OMIM 132900.

Allele frequency attached by ClinVar (database versions not stated): gnomAD exomes below 0.00001 and 0.00002; ExAC 0.00001.
gnomAD v4.1: 1 of 1,614,234 alleles (0.000062%); highest among the groups gnomAD compares: East Asian, 0.0022%; no homozygotes.

Submission:

Labcorp Genetics (formerly Invitae), Labcorp
Classification: Uncertain significance for Aortic aneurysm, familial thoracic 4. Last evaluated: 2022-02-24. Review status: criteria provided, single submitter. Criteria: Invitae Variant Classification Sherloc (09022015). Collection method: clinical testing. Allele origin: germline.
Comment: In summary, the available evidence is currently insufficient to determine the role of this variant in disease. Therefore, it has been classified as a Variant of Uncertain Significance. Algorithms developed to predict the effect of missense changes on protein structure and function are either unavailable or do not agree on the potential impact of this missense change (SIFT: "Deleterious"; PolyPhen-2: "Benign"; Align-GVGD: "Class C0"). This sequence change replaces glutamic acid, which is acidic and polar, with aspartic acid, which is acidic and polar, at codon 991 of the MYH11 protein (p.Glu991Asp). This variant is present in population databases (rs759420838, gnomAD 0.02%). This missense change has been observed in individual(s) with aortic dissection (PMID: 30056620). ClinVar contains an entry for this variant (Variation ID: 1052391).

Literature cited by the submitters: PubMed 30056620.

NM_002474.3(MYH11):c.2952G>C (p.Glu984Asp)

Gene: MYH11 (myosin heavy chain 11; minus strand). Cytogenetic location: 16p13.11.
Variant type: single nucleotide variant.
Coding change: c.2952G>C on transcript NM_002474.3 (MANE Select); coding-DNA position 2952, G replaced by C.
Protein change: p.Glu984Asp; replaces glutamic acid 984 with aspartic acid.
Molecular consequence: missense variant.
Genome position (GRCh38, 1-based): chr16:15,740,096, C>G on the plus strand (G>C on the coding strand, the complement: MYH11 is on the minus strand). VCF-style: chr16-15740096-C-G. GRCh37 (hg19) VCF-style: chr16-15833953-C-G.
Other names: c.2973G>C, p.Glu991Asp (NM_001040113.2, NM_001040114.2); c.2952G>C, p.Glu984Asp (NM_022844.3); short protein forms E984D, E991D.
Identifiers: ClinVar variation 1052391 (VCV001052391.9), dbSNP rs759420838, ClinGen allele CA7922141.